The following is an entry in ClinVar:

ClinVar aggregate classification (germline): Uncertain significance. Review status: criteria provided, multiple submitters, no conflicts (2 of 4 stars). 2 submissions from 2 submitters: Uncertain significance (2). Last evaluated 2025-12-11.

Conditions:
Hereditary cancer-predisposing syndrome. Also called: Neoplastic Syndromes, Hereditary; Hereditary Cancer Syndrome; Tumor predisposition; Hereditary neoplastic syndrome. Identifiers: Orphanet 140162, MedGen C0027672, MeSH D009386, MONDO:0015356.
EGFR-related lung cancer (EGFR). Identifiers: MedGen CN130014.

Allele frequency attached by ClinVar (database versions not stated): gnomAD exomes below 0.00001; TOPMed below 0.00001.
gnomAD v4.1: 6 of 1,614,100 alleles (0.00037%); highest among the groups gnomAD compares: South Asian, 0.0011%; no homozygotes.

Submissions (2):

Labcorp Genetics (formerly Invitae), Labcorp
Classification: Uncertain significance for EGFR-related lung cancer. Last evaluated: 2025-12-11. Review status: criteria provided, single submitter. Criteria: Invitae Variant Classification Sherloc (09022015). Collection method: clinical testing. Allele origin: germline.
Comment: This sequence change replaces valine, which is neutral and non-polar, with isoleucine, which is neutral and non-polar, at codon 441 of the EGFR protein (p.Val441Ile). This variant is present in population databases (no rsID available, gnomAD 0.0009%). This variant has not been reported in the literature in individuals affected with EGFR-related conditions. ClinVar contains an entry for this variant (Variation ID: 944771). Invitae Evidence Modeling of protein sequence and biophysical properties (such as structural, functional, and spatial information, amino acid conservation, physicochemical variation, residue mobility, and thermodynamic stability) indicates that this missense variant is not expected to disrupt EGFR protein function with a negative predictive value of 80%. In summary, the available evidence is currently insufficient to determine the role of this variant in disease. Therefore, it has been classified as a Variant of Uncertain Significance.

Ambry Genetics
Classification: Uncertain significance for Hereditary cancer-predisposing syndrome. Last evaluated: 2025-06-13. Review status: criteria provided, single submitter. Criteria: Ambry Variant Classification Scheme 2023. Collection method: clinical testing. Allele origin: germline.
Comment: The p.V441I variant (also known as c.1321G>A), located in coding exon 12 of the EGFR gene, results from a G to A substitution at nucleotide position 1321. The valine at codon 441 is replaced by isoleucine, an amino acid with highly similar properties. This amino acid position is conserved. In addition, this alteration is predicted to be tolerated by in silico analysis. Based on the available evidence, the clinical significance of this variant remains unclear.

NM_005228.5(EGFR):c.1321G>A (p.Val441Ile)

Gene: EGFR (epidermal growth factor receptor; plus strand). Cytogenetic location: 7p11.2.
Variant type: single nucleotide variant.
Coding change: c.1321G>A on transcript NM_005228.5 (MANE Select); coding-DNA position 1321, G replaced by A.
Protein change: p.Val441Ile; replaces valine 441 with isoleucine.
Molecular consequence: missense variant.
Genome position (GRCh38, 1-based): chr7:55,160,161, G>A. VCF-style: chr7-55160161-G-A. GRCh37 (hg19) VCF-style: chr7-55227854-G-A.
Other names: c.1186G>A, p.Val396Ile (NM_001346897.2, NM_001346899.2); c.1321G>A, p.Val441Ile (NM_001346898.2, NM_201282.2, NM_201284.2); c.1162G>A, p.Val388Ile (NM_001346900.2); c.520G>A, p.Val174Ile (NM_001346941.2); short protein forms V388I, V396I, V441I, V174I.
Identifiers: ClinVar variation 944771 (VCV000944771.10), dbSNP rs1166858113, ClinGen allele CA367579352.